The following is an entry in ClinVar:

ClinVar aggregate classification (germline): Likely benign (1 of 4 stars; one submission).

gnomAD v4.1: 7,252 of 1,612,804 alleles (0.45%); highest among the groups gnomAD compares: Non-Finnish European, 0.51%; 31 homozygotes.

Submission:

CeGaT Center for Human Genetics Tuebingen
Classification: Likely benign. Last evaluated: 2025-12-01. Review status: criteria provided, single submitter. Criteria: CeGaT Center For Human Genetics Tuebingen Variant Classification Criteria Version 2. Collection method: clinical testing. Allele origin: germline. Affected: yes. Observed: 1 variant allele.
Comment: ADAMTS15: BP4, BS2

NM_139055.4(ADAMTS15):c.2443C>T (p.Pro815Ser)

Gene: ADAMTS15 (ADAM metallopeptidase with thrombospondin type 1 motif 15; plus strand). Cytogenetic location: 11q24.3.
Variant type: single nucleotide variant.
Coding change: c.2443C>T on transcript NM_139055.4 (MANE Select); coding-DNA position 2443, C replaced by T.
Protein change: p.Pro815Ser; replaces proline 815 with serine.
Molecular consequence: missense variant.
Genome position (GRCh38, 1-based): chr11:130,473,411, C>T. VCF-style: chr11-130473411-C-T. GRCh37 (hg19) VCF-style: chr11-130343306-C-T.
Other names: short protein forms P815S.
Identifiers: ClinVar variation 4820700 (VCV004820700.4).